The following is an entry in ClinVar:

ClinVar aggregate classification (germline): Benign/Likely benign. Review status: criteria provided, multiple submitters, no conflicts (2 of 4 stars). 10 submissions from 8 submitters: Benign (6); Likely benign (3). 1 of the submissions does not count toward it. Last evaluated 2026-01-26.

Conditions:
Retinal dystrophy. Also called: Inherited retinal dystrophy. Identifiers: Orphanet 71862, MedGen C0854723, MeSH D058499, MONDO:0019118, HP:0000556.
Retinitis pigmentosa (RP). Identifiers: Orphanet 791, MedGen C0035334, MeSH D012174, MONDO:0019200, OMIM 268000. Inheritance: Autosomal dominant, autosomal recessive and X linked inheritance.
Retinitis pigmentosa 35 (RP35). Identifiers: Orphanet 791, MedGen C1853214, MONDO:0012463, OMIM 610282.
Cone-rod dystrophy 10 (CORD10). Identifiers: Orphanet 1872, MedGen C1846529, MONDO:0012464, OMIM 610283.

Allele frequency attached by ClinVar (database versions not stated): ESP Exome Variant Server 0.00015; gnomAD 0.00170 and 0.00259; TOPMed 0.00308; ExAC 0.00571; gnomAD exomes 0.00584 and 0.00241; 1000 Genomes Project 30x 0.01202; 1000 Genomes Project 0.01318.
gnomAD v4.1: 3,919 of 1,614,066 alleles (0.24%); highest among the groups gnomAD compares: East Asian, 6.9%; 128 homozygotes.

Submissions (17):

Labcorp Genetics (formerly Invitae), Labcorp
Classification: Benign. Last evaluated: 2026-01-26. Review status: criteria provided, single submitter. Criteria: Invitae Variant Classification Sherloc (09022015). Collection method: clinical testing. Allele origin: germline.

Dept Of Ophthalmology, Nagoya University
Classification: Benign for Retinal dystrophy. Last evaluated: 2023-10-01. Review status: criteria provided, single submitter. Criteria: Submitter's publication. Collection method: research. Allele origin: germline. Affected: yes.

Genome-Nilou Lab
Classification: Likely benign for Cone-rod dystrophy 10. Last evaluated: 2023-04-11. Review status: criteria provided, single submitter. Criteria: ACMG Guidelines, 2015. Collection method: clinical testing. Allele origin: germline. Affected: no.

Genome-Nilou Lab
Classification: Likely benign for Retinitis pigmentosa 35. Last evaluated: 2023-04-11. Review status: criteria provided, single submitter. Criteria: ACMG Guidelines, 2015. Collection method: clinical testing. Allele origin: germline. Affected: no.

SIB Swiss Institute of Bioinformatics
Classification: Benign. Last evaluated: 2018-05-31. Review status: criteria provided, single submitter. Criteria: ACMG Guidelines, 2015. Collection method: curation. Allele origin: unknown.
Comment: This variant is interpreted as a Benign - Stand Alone. The following ACMG Tag(s) were applied: BA1 => Allele frequency is >5% in Exome Sequencing Project, 1000 Genomes Project, or Exome Aggregation Consortium.

Illumina Laboratory Services, Illumina
Classification: Benign for Cone-rod dystrophy 10. Last evaluated: 2018-01-13. Review status: criteria provided, single submitter. Criteria: ICSL Variant Classification Criteria 13 December 2019. Collection method: clinical testing. Allele origin: germline.
Comment: This variant was observed in the ICSL laboratory as part of a predisposition screen in an ostensibly healthy population. It had not been previously curated by ICSL or reported in the Human Gene Mutation Database (HGMD: prior to June 1st, 2018), and was therefore a candidate for classification through an automated scoring system. Utilizing variant allele frequency, disease prevalence and penetrance estimates, and inheritance mode, an automated score was calculated to assess if this variant is too frequent to cause the disease. Based on the score and internal cut-off values, a variant classified as benign is not then subjected to further curation. The score for this variant resulted in a classification of benign for this disease.

Illumina Laboratory Services, Illumina
Classification: Benign for Retinitis pigmentosa. Last evaluated: 2018-01-13. Review status: criteria provided, single submitter. Criteria: ICSL Variant Classification Criteria 13 December 2019. Collection method: clinical testing. Allele origin: germline.
Comment: the same text as in the submission from Illumina Laboratory Services, Illumina above.

Eurofins Ntd Llc (ga)
Classification: Benign. Last evaluated: 2015-02-25. Review status: criteria provided, single submitter. Criteria: EGL Classification Definitions 2015. Collection method: clinical testing. Allele origin: germline. Observed: 1 variant allele, 1 heterozygote.

Breakthrough Genomics
Classification: Likely benign. Review status: criteria provided, single submitter. Criteria: ACMG Guidelines, 2015. Collection method: not provided. Allele origin: germline. Inheritance: Autosomal recessive inheritance. Affected: yes.

Institute of Human Genetics, Univ. Regensburg, Univ. Regensburg
Classification: Uncertain significance for Retinal dystrophy. Last evaluated: 2012-01-01. Review status: no assertion criteria provided. Criteria: ACMG Guidelines, 2015. Collection method: clinical testing. Allele origin: germline. Affected: yes. Not counted in ClinVar's aggregate classification.

Dr. Peter K. Rogan Lab, Western University
No classification provided (evidence only). Condition: Sarcoma. Review status: no classification provided. Collection method: in vitro. Allele origin: not applicable. Functional consequence: retained intron. Not counted in ClinVar's aggregate classification.

Dr. Peter K. Rogan Lab, Western University
No classification provided (evidence only). Condition: Hepatocellular carcinoma. Review status: no classification provided. Collection method: in vitro. Allele origin: not applicable. Functional consequence: retained intron. Not counted in ClinVar's aggregate classification.

Dr. Peter K. Rogan Lab, Western University
No classification provided (evidence only). Condition: Hepatocellular carcinoma. Review status: no classification provided. Collection method: in vitro. Allele origin: not applicable. Functional consequence: retained intron. Not counted in ClinVar's aggregate classification.

Dr. Peter K. Rogan Lab, Western University
No classification provided (evidence only). Condition: Hepatocellular carcinoma. Review status: no classification provided. Collection method: in vitro. Allele origin: not applicable. Functional consequence: retained intron. Not counted in ClinVar's aggregate classification.

Dr. Peter K. Rogan Lab, Western University
No classification provided (evidence only). Condition: Hepatocellular carcinoma. Review status: no classification provided. Collection method: in vitro. Allele origin: not applicable. Functional consequence: retained intron. Not counted in ClinVar's aggregate classification.

Dr. Peter K. Rogan Lab, Western University
No classification provided (evidence only). Condition: Hepatocellular carcinoma. Review status: no classification provided. Collection method: in vitro. Allele origin: not applicable. Functional consequence: retained intron. Not counted in ClinVar's aggregate classification.

Dr. Peter K. Rogan Lab, Western University
No classification provided (evidence only). Condition: Hepatocellular carcinoma. Review status: no classification provided. Collection method: in vitro. Allele origin: not applicable. Functional consequence: retained intron. Not counted in ClinVar's aggregate classification.

NM_022367.4(SEMA4A):c.1529G>A (p.Arg510Gln)

Gene: SEMA4A (semaphorin 4A; plus strand). Cytogenetic location: 1q22.
Variant type: single nucleotide variant.
Coding change: c.1529G>A on transcript NM_022367.4 (MANE Select); coding-DNA position 1529, G replaced by A.
Protein change: p.Arg510Gln; replaces arginine 510 with glutamine.
Molecular consequence: missense variant.
Genome position (GRCh38, 1-based): chr1:156,175,180, G>A. VCF-style: chr1-156175180-G-A. GRCh37 (hg19) VCF-style: chr1-156144971-G-A.
Other names: NM_001193300.1(SEMA4A):c.1529G>A(p.Arg510Gln); NM_001193301.1(SEMA4A):c.1529G>A(p.Arg510Gln); NM_001193302.1(SEMA4A):c.1133G>A(p.Arg378Gln); NM_022367.3(SEMA4A):c.1529G>A(p.Arg510Gln); c.1529G>A, p.Arg510Gln (NM_001193300.2, NM_001193301.2, NM_001370567.1); c.1133G>A, p.Arg378Gln (NM_001193302.2); c.1232G>A, p.Arg411Gln (NM_001370568.1); c.1022G>A, p.Arg341Gln (NM_001370569.1, NM_001370571.1); short protein forms R510Q, R411Q, R341Q, R378Q.
Identifiers: ClinVar variation 194261 (VCV000194261.25), dbSNP rs2075164, ClinGen allele CA201071.